The following is an entry in ClinVar:

ClinVar aggregate classification (germline): Benign (1 of 4 stars; one submission).

Conditions:
Landau-Kleffner syndrome (FESD). Also called: EPILEPSY, FOCAL, WITH SPEECH DISORDER AND WITH OR WITHOUT MENTAL RETARDATION; APHASIA, ACQUIRED, WITH EPILEPSY. Identifiers: Orphanet 1945, Orphanet 725, Orphanet 98818, MedGen C0282512, MONDO:0009509, OMIM 245570.

Allele frequency attached by ClinVar (database versions not stated): gnomAD 0.00033 and 0.00023; 1000 Genomes Project 30x 0.00047; gnomAD exomes 0.00084; TOPMed 0.00061; 1000 Genomes Project 0.00060.
gnomAD v4.1: 114 of 230,016 alleles (0.05%); highest among the groups gnomAD compares: East Asian, 0.58%; no homozygotes.

Submission:

Illumina Laboratory Services, Illumina
Classification: Benign for Landau-Kleffner syndrome. Last evaluated: 2018-01-12. Review status: criteria provided, single submitter. Criteria: ICSL Variant Classification Criteria 13 December 2019. Collection method: clinical testing. Allele origin: germline.
Comment: This variant was observed in the ICSL laboratory as part of a predisposition screen in an ostensibly healthy population. It had not been previously curated by ICSL or reported in the Human Gene Mutation Database (HGMD: prior to June 1st, 2018), and was therefore a candidate for classification through an automated scoring system. Utilizing variant allele frequency, disease prevalence and penetrance estimates, and inheritance mode, an automated score was calculated to assess if this variant is too frequent to cause the disease. Based on the score and internal cut-off values, a variant classified as benign is not then subjected to further curation. The score for this variant resulted in a classification of benign for this disease.

NM_001134407.3(GRIN2A):c.*3483C>T

Gene: GRIN2A (glutamate ionotropic receptor NMDA type subunit 2A; minus strand). Cytogenetic location: 16p13.2.
Variant type: single nucleotide variant.
Coding change: c.*3483C>T on transcript NM_001134407.3 (MANE Select); 3483 bases downstream of the stop codon, C replaced by T.
Molecular consequence: 3 prime UTR variant.
Genome position (GRCh38, 1-based): chr16:9,759,666, G>A on the plus strand (C>T on the coding strand, the complement: GRIN2A is on the minus strand). VCF-style: chr16-9759666-G-A. GRCh37 (hg19) VCF-style: chr16-9853523-G-A.
Other names: c.*3483C>T (NM_000833.5); c.*3689C>T (NM_001134408.2).
Identifiers: ClinVar variation 321550 (VCV000321550.5), dbSNP rs137977249, ClinGen allele CA10644754.